The following is an entry in ClinVar:

ClinVar aggregate classification (germline): Pathogenic. Review status: criteria provided, multiple submitters, no conflicts (2 of 4 stars). 3 submissions from 3 submitters: Pathogenic (2). 1 of the submissions does not count toward it. Last evaluated 2023-06-03.

Conditions:
TTN-related myopathy. Identifiers: MedGen CN294812, MONDO:0100175.
Early-onset myopathy with fatal cardiomyopathy (CMYO5). Also called: Salih Myopathy; CONGENITAL MYOPATHY 5 WITH CARDIOMYOPATHY. Identifiers: Orphanet 289377, MedGen C2673677, MONDO:0012714, OMIM 611705. Disease mechanism: loss of function.

Submissions (3):

GeneDx
Classification: Pathogenic. Last evaluated: 2023-06-03. Review status: criteria provided, single submitter. Criteria: GeneDx Variant Classification Process June 2021. Collection method: clinical testing. Allele origin: germline. Affected: yes.
Comment: Frameshift variant predicted to result in protein truncation or nonsense mediated decay in a region of the TTN gene for which loss-of-function is a known mechanism of disease; Located in a region of TTN in which the majority of pathogenic variants have been reported in association with autosomal recessive titinopathies (Fernandez-Marmiesse et al., 2017; Chervinsky et al., 2018; Bryen, et al., 2020; Savarese et al., 2020); Not observed at significant frequency in large population cohorts (gnomAD); Has not been previously published as pathogenic or benign to our knowledge; This variant is associated with the following publications: (PMID: 28040389, 29575618, 31660661, 32778822)

Broad Center for Mendelian Genomics, Broad Institute of MIT and Harvard
Classification: Pathogenic for TTN-related myopathy. Last evaluated: 2023-05-02. Review status: criteria provided, single submitter. Criteria: ACMG Guidelines, 2015. Collection method: curation. Allele origin: germline. Inheritance: Autosomal recessive inheritance.
Comment: The heterozygous p.Thr11893LysfsTer75 variant in TTN was identified by our study, in the compound heterozygous state with a pathogenic variant (ClinVar Variation ID: 226126), in two siblings with congenital myopathy. Familial exome analysis showed that this variant was in trans with a pathogenic variant (ClinVar Variation ID: 226126). The p.Thr11893LysfsTer75 variant in TTN has not been previously reported in individuals with autosomal recessive titin-associated myopathy. This variant is absent from population databases. This variant has also been reported in ClinVar (Variation ID: 1027852) and has been classified as a variant of uncertain significance by Baylor Genetics. The affected siblings identified by our study were compound heterozygotes who carried a reported pathogenic variant in trans, which increases the likelihood that the p.Thr11893LysfsTer75 variant is pathogenic. This variant is predicted to cause a frameshift, which alters the protein‚Äôs amino acid sequence beginning at position 11893 and leads to a premature termination codon 75 amino acids downstream. This alteration is then predicted to lead to a truncated or absent protein. Loss of function of the TTN gene is an established disease mechanism in autosomal recessive titin-associated myopathy. In summary, this variant meets criteria to be classified as pathogenic for autosomal recessive titin-associated myopathy. ACMG/AMP Criteria applied: PVS1, PM2_Supporting, PM3 (Richards 2015).

Baylor Genetics
Classification: Uncertain significance for Early-onset myopathy with fatal cardiomyopathy. Last evaluated: 2020-07-01. Review status: flagged submission. Criteria: ACMG Guidelines, 2015. Collection method: clinical testing. Allele origin: unknown. Affected: yes. Not counted in ClinVar's aggregate classification.
Comment: This variant was determined to be of uncertain significance according to ACMG Guidelines, 2015 [PMID:25741868].
ClinVar note: Reason: Claim with insufficient supporting evidence

NM_001267550.2(TTN):c.35678_35685delinsA (p.Thr11893fs)

Gene: TTN (titin; minus strand). Cytogenetic location: 2q31.2.
Variant type: Indel.
Coding change: c.35678_35685delinsA on transcript NM_001267550.2 (MANE Select); coding-DNA positions 35678 to 35685, CTATTCCT replaced by A.
Protein change: p.Thr11893fs; shifts the reading frame from threonine 11893.
Molecular consequence: frameshift variant. On other transcripts: intron variant (5).
Genome position (GRCh38, 1-based): chr2:178,667,470-178,667,477, AGGAATAG replaced by T on the plus strand (CTATTCCT replaced by A on the coding strand, the reverse complement: TTN is on the minus strand). VCF-style: chr2-178667470-AGGAATAG-T. GRCh37 (hg19) VCF-style: chr2-179532197-AGGAATAG-T.
Other names: NM_001267550.2(TTN):c.35678_35685delinsA; p.Thr11893fs; c.34264+2741_34264+2748delinsA (NM_001256850.1); c.13283-25160_13283-25153delinsA (NM_003319.4); c.13859-25160_13859-25153delinsA (NM_133437.4); c.13658-25160_13658-25153delinsA (NM_133432.3); c.31483+2741_31483+2748delinsA (NM_133378.4); short protein forms T11893fs.
Identifiers: ClinVar variation 1027852 (VCV001027852.3), dbSNP rs2066169270, ClinGen allele CA1310571038.